The following is an entry in ClinVar:

NM_000051.4(ATM):c.8696T>A (p.Ile2899Asn)

Genes: ATM (ATM serine/threonine kinase; plus strand), C11orf65 (chromosome 11 open reading frame 65; minus strand). Cytogenetic location: 11q22.3.
Variant type: single nucleotide variant.
Coding change: c.8696T>A on transcript NM_000051.4 (MANE Select); coding-DNA position 8696, T replaced by A.
Protein change: p.Ile2899Asn; replaces isoleucine 2899 with asparagine.
Molecular consequence: missense variant. On other transcripts: intron variant (2).
Genome position (GRCh38, 1-based): chr11:108,353,790, T>A. VCF-style: chr11-108353790-T-A. GRCh37 (hg19) VCF-style: chr11-108224517-T-A.
Other names: c.8696T>A, p.Ile2899Asn (NM_001351834.2); c.640+32130A>T (NM_001330368.2); c.695-18498A>T (NM_001351110.2); short protein forms I2899N.
Identifiers: ClinVar variation 4758742 (VCV004758742.1).

ClinVar aggregate classification (germline): Uncertain significance (1 of 4 stars; one submission).

Conditions:
Hereditary cancer-predisposing syndrome. Also called: Tumor predisposition; Hereditary neoplastic syndrome; Hereditary Cancer Syndrome; Neoplastic Syndromes, Hereditary. Identifiers: Orphanet 140162, MedGen C0027672, MeSH D009386, MONDO:0015356.

Submission:

Color Diagnostics, LLC DBA Color Health
Classification: Uncertain significance for Hereditary cancer-predisposing syndrome. Last evaluated: 2025-06-03. Review status: criteria provided, single submitter. Criteria: ACMG Guidelines, 2015. Collection method: clinical testing. Allele origin: germline.
Comment: This missense variant replaces isoleucine with asparagine at codon 2899 of the ATM protein. Computational prediction is inconclusive regarding the impact of this variant on protein structure and function. To our knowledge, functional studies have not been reported for this variant. This variant has not been reported in individuals affected with ATM-related disorders in the literature. This variant has not been identified in the general population by the Genome Aggregation Database (gnomAD). The available evidence is insufficient to determine the role of this variant in disease conclusively. Therefore, this variant is classified as a Variant of Uncertain Significance.